The following is an entry in ClinVar:

ClinVar aggregate classification (germline): Uncertain significance (1 of 4 stars; one submission).

Conditions:
Ritscher-Schinzel syndrome 2. Identifiers: Orphanet 7, MedGen C4225419, MONDO:0010499, OMIM 300963.

Submission:

Laboratorio de Genetica e Diagnostico Molecular, Hospital Israelita Albert Einstein
Classification: Uncertain significance for Ritscher-Schinzel syndrome 2. Last evaluated: 2022-09-16. Review status: criteria provided, single submitter. Criteria: ACMG Guidelines, 2015. Collection method: clinical testing. Allele origin: germline. Affected: yes. Observed: 1 variant allele.
Comment: ACMG classification criteria: PM2 moderated, BP4 supporting

NM_014008.5(CCDC22):c.1852G>C (p.Ala618Pro)

Gene: CCDC22 (CCC complex scaffolding subunit CCDC22; plus strand). Cytogenetic location: Xp11.23.
Variant type: single nucleotide variant.
Coding change: c.1852G>C on transcript NM_014008.5 (MANE Select); coding-DNA position 1852, G replaced by C.
Protein change: p.Ala618Pro; replaces alanine 618 with proline.
Molecular consequence: missense variant.
Genome position (GRCh38, 1-based): chrX:49,250,229, G>C. VCF-style: chrX-49250229-G-C. GRCh37 (hg19) VCF-style: chrX-49106690-G-C.
Other names: short protein forms A618P.
Identifiers: ClinVar variation 2431770 (VCV002431770.1), dbSNP rs2519183077, ClinGen allele CA412946645.